The following is an entry in ClinVar:

ClinVar aggregate classification (germline): Uncertain significance. Review status: criteria provided, multiple submitters, no conflicts (2 of 4 stars). 3 submissions from 3 submitters: Uncertain significance (3). Last evaluated 2024-03-04.

Conditions:
Autosomal recessive nonsyndromic hearing loss 30. Identifiers: Orphanet 90636, MedGen C1846784, MONDO:0011774, OMIM 607101.

gnomAD v4.1: 95 of 1,614,076 alleles (0.0059%); highest among the groups gnomAD compares: South Asian, 0.029%; no homozygotes.

Submissions (3):

Labcorp Genetics (formerly Invitae), Labcorp
Classification: Uncertain significance. Last evaluated: 2024-03-04. Review status: criteria provided, single submitter. Criteria: Invitae Variant Classification Sherloc (09022015). Collection method: clinical testing. Allele origin: germline.
Comment: This sequence change replaces arginine, which is basic and polar, with histidine, which is basic and polar, at codon 958 of the MYO3A protein (p.Arg958His). This variant is present in population databases (rs746307707, gnomAD 0.02%). This variant has not been reported in the literature in individuals affected with MYO3A-related conditions. Advanced modeling of protein sequence and biophysical properties (such as structural, functional, and spatial information, amino acid conservation, physicochemical variation, residue mobility, and thermodynamic stability) has been performed at Invitae for this missense variant, however the output from this modeling did not meet the statistical confidence thresholds required to predict the impact of this variant on MYO3A protein function. In summary, the available evidence is currently insufficient to determine the role of this variant in disease. Therefore, it has been classified as a Variant of Uncertain Significance.

Department of Pathology and Laboratory Medicine, Sinai Health System
Classification: Uncertain significance for Autosomal recessive nonsyndromic hearing loss 30. Last evaluated: 2020-05-07. Review status: criteria provided, single submitter. Criteria: ACMG Guidelines, 2015. Collection method: research. Allele origin: germline.

Breakthrough Genomics
Classification: Uncertain significance. Review status: criteria provided, single submitter. Criteria: ACMG Guidelines, 2015. Collection method: not provided. Allele origin: germline. Inheritance: Autosomal recessive inheritance. Affected: yes.

NM_017433.5(MYO3A):c.2873G>A (p.Arg958His)

Gene: MYO3A (myosin IIIA; plus strand). Cytogenetic location: 10p12.1.
Variant type: single nucleotide variant.
Coding change: c.2873G>A on transcript NM_017433.5 (MANE Select); coding-DNA position 2873, G replaced by A.
Protein change: p.Arg958His; replaces arginine 958 with histidine.
Molecular consequence: missense variant.
Genome position (GRCh38, 1-based): chr10:26,157,389, G>A. VCF-style: chr10-26157389-G-A. GRCh37 (hg19) VCF-style: chr10-26446318-G-A.
Other names: short protein forms R958H.
Identifiers: ClinVar variation 2897208 (VCV002897208.5), dbSNP rs746307707, ClinGen allele CA5445099.
Genomic context (GRCh38, chr10:26,157,389, plus strand): 5'-TGTCTAAAATGGTGGTGGGCCAACCTCATTTTGTCCGTTGCATCAAACCAAATAGTGAGC[G>A]TCAGGCAAGAAAATATGACAAAGAGAAAGTTCTGCTACAGCTTCGGTACACAGGAATTCT-3'
Protein context (NP_059129.3, residues 948-968): FVRCIKPNSE[Arg958His]QARKYDKEKV